The following is an entry in ClinVar:

ClinVar aggregate classification (germline): Likely benign. Review status: criteria provided, single submitter (1 of 4 stars). 2 submissions from 2 submitters: Likely benign (1). 1 of the submissions does not count toward it. Last evaluated 2023-06-04.

Conditions:
ABCA12-related disorder. Also called: ABCA12-related condition.

Allele frequency attached by ClinVar (database versions not stated): TOPMed below 0.00001; gnomAD 0.00005; ExAC 0.00020.
gnomAD v4.1: 73 of 1,613,956 alleles (0.0045%); highest among the groups gnomAD compares: Non-Finnish European, 0.0031%; no homozygotes.

Submissions (2):

Labcorp Genetics (formerly Invitae), Labcorp
Classification: Likely benign. Last evaluated: 2023-06-04. Review status: criteria provided, single submitter. Criteria: Invitae Variant Classification Sherloc (09022015). Collection method: clinical testing. Allele origin: germline.

PreventionGenetics, part of Exact Sciences
Classification: Likely benign for ABCA12-related condition. Last evaluated: 2021-10-07. Review status: no assertion criteria provided. Collection method: clinical testing. Allele origin: germline. Not counted in ClinVar's aggregate classification.
Comment: This variant is classified as likely benign based on ACMG/AMP sequence variant interpretation guidelines (Richards et al. 2015 PMID: 25741868, with internal and published modifications).

NM_173076.3(ABCA12):c.6564A>C (p.Ala2188=)

Genes: ABCA12 (ATP binding cassette subfamily A member 12; minus strand), SNHG31 (small nucleolar RNA host gene 31; plus strand). Cytogenetic location: 2q35.
Variant type: single nucleotide variant.
Coding change: c.6564A>C on transcript NM_173076.3 (MANE Select); coding-DNA position 6564, A replaced by C.
Protein change: p.Ala2188=; no amino-acid change (alanine 2188 retained).
Molecular consequence: synonymous variant. On other transcripts: non-coding transcript variant (1).
Genome position (GRCh38, 1-based): chr2:214,953,937, T>G on the plus strand (A>C on the coding strand, the complement: ABCA12 is on the minus strand). VCF-style: chr2-214953937-T-G. GRCh37 (hg19) VCF-style: chr2-215818661-T-G.
Other names: c.5610A>C, p.Ala1870= (NM_015657.4); c.6564A>C (NM_173076.2).
Identifiers: ClinVar variation 2978530 (VCV002978530.5), dbSNP rs750409003, ClinGen allele CA2090880.